The following is an entry in ClinVar:

NM_001256545.2(MEGF10):c.2155C>T (p.His719Tyr)

Gene: MEGF10 (multiple EGF like domains 10; plus strand). Cytogenetic location: 5q23.2.
Variant type: single nucleotide variant.
Coding change: c.2155C>T on transcript NM_001256545.2 (MANE Select); coding-DNA position 2155, C replaced by T.
Protein change: p.His719Tyr; replaces histidine 719 with tyrosine.
Molecular consequence: missense variant.
Genome position (GRCh38, 1-based): chr5:127,438,489, C>T. VCF-style: chr5-127438489-C-T. GRCh37 (hg19) VCF-style: chr5-126774181-C-T.
Other names: c.2155C>T, p.His719Tyr (NM_032446.3); short protein forms H719Y.
Identifiers: ClinVar variation 643289 (VCV000643289.1), dbSNP rs1192439798, ClinGen allele CA360732871.

ClinVar aggregate classification (germline): Uncertain significance (1 of 4 stars; one submission).

Conditions:
MEGF10-related myopathy (CMYO10A). Also called: Congenital myopathy 10A, severe variant. Identifiers: Orphanet 439212, MedGen C3280679, MONDO:0013731, OMIM 614399.

Allele frequency attached by ClinVar (database versions not stated): gnomAD 0.00001; gnomAD exomes 0.00001.
gnomAD v4.1: 9 of 1,614,008 alleles (0.00056%); highest among the groups gnomAD compares: Non-Finnish European, 0.00076%; no homozygotes.

Submission:

Labcorp Genetics (formerly Invitae), Labcorp
Classification: Uncertain significance for Myopathy, areflexia, respiratory distress, and dysphagia, early-onset. Last evaluated: 2018-07-26. Review status: criteria provided, single submitter. Criteria: Invitae Variant Classification Sherloc (09022015). Collection method: clinical testing. Allele origin: germline.
Comment: This sequence change replaces histidine with tyrosine at codon 719 of the MEGF10 protein (p.His719Tyr). The histidine residue is highly conserved and there is a moderate physicochemical difference between histidine and tyrosine. This variant is not present in population databases (ExAC no frequency). This variant has not been reported in the literature in individuals with MEGF10-related disease. Algorithms developed to predict the effect of missense changes on protein structure and function are either unavailable or do not agree on the potential impact of this missense change (SIFT: "Deleterious"; PolyPhen-2: "Possibly Damaging"; Align-GVGD: "Class C0"). In summary, the available evidence is currently insufficient to determine the role of this variant in disease. Therefore, it has been classified as a Variant of Uncertain Significance.